The following is an entry in ClinVar:

ClinVar aggregate classification (germline): Conflicting classifications of pathogenicity. Review status: criteria provided, conflicting classifications (1 of 4 stars). 7 submissions from 7 submitters: Uncertain significance (6); Likely benign (1). Last evaluated 2026-01-28.

Conditions:
Hereditary cancer-predisposing syndrome. Also called: Hereditary Cancer Syndrome; Hereditary neoplastic syndrome; Neoplastic Syndromes, Hereditary; Tumor predisposition. Identifiers: Orphanet 140162, MedGen C0027672, MeSH D009386, MONDO:0015356.
Familial cancer of breast. Also called: Hereditary breast cancer; BREAST CANCER, FAMILIAL; hereditary breast carcinoma. Identifiers: Orphanet 227535, MedGen C0346153, MONDO:0016419, OMIM 114480. Disease mechanism: loss of function.

Allele frequency attached by ClinVar (database versions not stated): gnomAD 0.00001 and 0.00002; gnomAD exomes 0.00001; ExAC 0.00002; TOPMed 0.00002.

Submissions (7):

Labcorp Genetics (formerly Invitae), Labcorp
Classification: Uncertain significance for Familial cancer of breast. Last evaluated: 2026-01-28. Review status: criteria provided, single submitter. Criteria: Invitae Variant Classification Sherloc (09022015). Collection method: clinical testing. Allele origin: germline.
Comment: This sequence change replaces glycine, which is neutral and non-polar, with aspartic acid, which is acidic and polar, at codon 529 of the CHEK2 protein (p.Gly529Asp). The frequency data for this variant in the population databases is considered unreliable, as metrics indicate poor data quality at this position in the gnomAD database. This missense change has been observed in individual(s) with breast cancer (PMID: 33646313). ClinVar contains an entry for this variant (Variation ID: 216642). An algorithm developed to predict the effect of missense changes on protein structure and function outputs the following: PolyPhen-2: "Benign". The aspartic acid amino acid residue is found in multiple mammalian species, which suggests that this missense change does not adversely affect protein function. Experimental studies have shown that this missense change does not substantially affect CHEK2 function (PMID: 37449874). In summary, the available evidence is currently insufficient to determine the role of this variant in disease. Therefore, it has been classified as a Variant of Uncertain Significance.

Women's Health and Genetics/Laboratory Corporation of America, LabCorp
Classification: Uncertain significance. Last evaluated: 2025-10-13. Review status: criteria provided, single submitter. Criteria: LabCorp Variant Classification Summary - May 2015. Collection method: clinical testing. Allele origin: germline.
Comment: Variant summary: CHEK2 c.1586G>A (p.Gly529Asp) results in a non-conservative amino acid change in the encoded protein sequence. Algorithms developed to predict the effect of missense changes on protein structure and function are either unavailable or do not agree on the potential impact of this missense change. The variant allele was found at a frequency of 1.3e-05 in 233642 control chromosomes. The available data on variant occurrences in the general population are insufficient to allow any conclusion about variant significance. c.1586G>A has been observed in individuals affected with Hereditary Breast And Ovarian Cancer Syndrome (George_2021) without evidence of causality. These report(s) do not provide unequivocal conclusions about association of the variant with Hereditary Breast And Ovarian Cancer Syndrome. At least one publication reports experimental evidence evaluating an impact on protein function and the results do not allow convincing conclusions about the variant effect (Stolarova_2023). The following publications have been ascertained in the context of this evaluation (PMID: 33646313, 37449874). ClinVar contains an entry for this variant (Variation ID: 216642). Based on the evidence outlined above, the variant was classified as uncertain significance.

Color Diagnostics, LLC DBA Color Health
Classification: Uncertain significance for Hereditary cancer-predisposing syndrome. Last evaluated: 2024-06-14. Review status: criteria provided, single submitter. Criteria: ACMG Guidelines, 2015. Collection method: clinical testing. Allele origin: germline.
Comment: This missense variant replaces glycine with aspartic acid at codon 529 of the CHEK2 protein. Computational prediction suggests that this variant may not impact protein structure and function (internally defined REVEL score threshold <= 0.5, PMID: 27666373). To our knowledge, functional studies have not been reported for this variant. This variant has been reported in an individual affected with breast cancer (PMID: 33646313). In a large breast cancer case-control study, this variant has been reported in 0/60466 cases and 1/53461 unaffected controls (p-value=0.469; Leiden Open Variation Database DB-ID CHEK2_000266) (PMID: 33471991). This variant has been identified in 3/233642 chromosomes in the general population by the Genome Aggregation Database (gnomAD). The available evidence is insufficient to determine the role of this variant in disease conclusively. Therefore, this variant is classified as a Variant of Uncertain Significance.

GeneDx
Classification: Uncertain significance. Last evaluated: 2023-09-17. Review status: criteria provided, single submitter. Criteria: GeneDx Variant Classification Process June 2021. Collection method: clinical testing. Allele origin: germline. Affected: yes.
Comment: Not observed at significant frequency in large population cohorts (gnomAD); In silico analysis supports that this missense variant does not alter protein structure/function; Observed in an individual with breast cancer (George et al., 2021); This variant is associated with the following publications: (PMID: 32906215, 33471991, 33646313)

Sema4
Classification: Uncertain significance for Hereditary cancer-predisposing syndrome. Last evaluated: 2022-01-06. Review status: criteria provided, single submitter. Criteria: Sema4 Curation Guidelines. Collection method: curation. Allele origin: germline.
Comment: The CHEK2 c.1586G>A (p.G529D) variant has been reported in heterozygosity in at least two individuals with suspicion of hereditary cancer (PMID: 32906215). However, the variant was identified in the control cohort of a breast cancer case-control study (PMID: 33471991). This variant was observed in 3/30324 chromosomes in the South Asian population according to the Genome Aggregation Database (PMID: 32461654) and has been reported in ClinVar (Variation ID: 216642). In silico tools suggest the impact of the variant on protein function is benign, though these predictions have not been confirmed by functional studies. The evidence is insufficient to meet ACMG/AMP criteria for classifying the variant as benign or pathogenic. Thus, the clinical significance of this variant is currently uncertain.

Ambry Genetics
Classification: Likely benign for Hereditary cancer-predisposing syndrome. Last evaluated: 2018-11-01. Review status: criteria provided, single submitter. Criteria: Ambry Variant Classification Scheme 2023. Collection method: clinical testing. Allele origin: germline.

Mendelics
Classification: Uncertain significance for Familial cancer of breast. Last evaluated: 2018-07-02. Review status: criteria provided, single submitter. Criteria: Mendelics Assertion Criteria 2017. Collection method: clinical testing. Allele origin: unknown.

Literature cited by the submitters: PubMed 33646313 (cited by 3 submitters); PubMed 37449874 (cited by Labcorp Genetics (formerly Invitae), Labcorp and Women's Health and Genetics/Laboratory Corporation of America, LabCorp); PubMed 33471991 (cited by Color Diagnostics, LLC DBA Color Health and Sema4); PubMed 32906215 (cited by Sema4).

NM_007194.4(CHEK2):c.1586G>A (p.Gly529Asp)

Gene: CHEK2 (checkpoint kinase 2; minus strand). Cytogenetic location: 22q12.1.
Variant type: single nucleotide variant.
Coding change: c.1586G>A on transcript NM_007194.4 (MANE Select); coding-DNA position 1586, G replaced by A.
Protein change: p.Gly529Asp; replaces glycine 529 with aspartic acid.
Molecular consequence: missense variant.
Genome position (GRCh38, 1-based): chr22:28,687,943, C>T on the plus strand (G>A on the coding strand, the complement: CHEK2 is on the minus strand). VCF-style: chr22-28687943-C-T. GRCh37 (hg19) VCF-style: chr22-29083931-C-T.
Other names: c.1715G>A, p.Gly572Asp (NM_001005735.3); c.923G>A, p.Gly308Asp (NM_001257387.3); c.1385G>A, p.Gly462Asp (NM_001349956.3); c.1499G>A, p.Gly500Asp (NM_145862.3); short protein forms G529D, G308D, G572D, G462D, G500D.
Identifiers: ClinVar variation 216642 (VCV000216642.28), dbSNP rs751653049, ClinGen allele CA339590.
Genomic context (GRCh38, chr22:28,687,943, plus strand): 5'-TCAAACCACGGAGTTCACAACACAGCAGCACACACAGCTGGGCGCTTTGTGGTCTCGGCA[C>T]CCTCGGCTTCCCCTTCACGGGGCCGCTTTCGACTAGTAGAAGGCTGAAAATAAAGGAAAA-3'
Protein context (NP_009125.1, residues 519-539): RKRPREGEAE[Gly529Asp]AETTKRPAVC